The following is an entry in ClinVar:

NM_006648.4(WNK2):c.2194C>T (p.Pro732Ser)

Gene: WNK2 (WNK lysine deficient protein kinase 2; plus strand). Cytogenetic location: 9q22.31.
Variant type: single nucleotide variant.
Coding change: c.2194C>T on transcript NM_006648.4 (MANE Select); coding-DNA position 2194, C replaced by T.
Protein change: p.Pro732Ser; replaces proline 732 with serine.
Molecular consequence: missense variant.
Genome position (GRCh38, 1-based): chr9:93,256,951, C>T. VCF-style: chr9-93256951-C-T. GRCh37 (hg19) VCF-style: chr9-96019233-C-T.
Other names: c.2194C>T, p.Pro732Ser (NM_001282394.3); short protein forms P732S.
Identifiers: ClinVar variation 3817168 (VCV003817168.1).

ClinVar aggregate classification (germline): Uncertain significance (1 of 4 stars; one submission).

gnomAD v4.1: 3 of 1,561,788 alleles (0.00019%); highest among the groups gnomAD compares: African/African-American, 0.0014%; no homozygotes.

Submission:

Ambry Genetics
Classification: Uncertain significance. Last evaluated: 2025-02-26. Review status: criteria provided, single submitter. Criteria: Ambry Variant Classification Scheme 2023. Collection method: clinical testing. Allele origin: germline.
Comment: The p.P732S variant (also known as c.2194C>T), located in coding exon 10 of the WNK2 gene, results from a C to T substitution at nucleotide position 2194. The proline at codon 732 is replaced by serine, an amino acid with similar properties. This amino acid position is conserved. In addition, this alteration is predicted to be tolerated by in silico analysis. Based on the available evidence, the clinical significance of this variant remains unclear.